The following is an entry in ClinVar:

NM_001042681.2(RERE):c.3695T>A (p.Phe1232Tyr)

Gene: RERE (arginine-glutamic acid dipeptide repeats; minus strand). Cytogenetic location: 1p36.23.
Variant type: single nucleotide variant.
Coding change: c.3695T>A on transcript NM_001042681.2 (MANE Select); coding-DNA position 3695, T replaced by A.
Protein change: p.Phe1232Tyr; replaces phenylalanine 1232 with tyrosine.
Molecular consequence: missense variant.
Genome position (GRCh38, 1-based): chr1:8,358,840, A>T on the plus strand (T>A on the coding strand, the complement: RERE is on the minus strand). VCF-style: chr1-8358840-A-T. GRCh37 (hg19) VCF-style: chr1-8418900-A-T.
Other names: c.2033T>A, p.Phe678Tyr (NM_001042682.2); c.3695T>A, p.Phe1232Tyr (NM_012102.4); short protein forms F1232Y, F678Y.
Identifiers: ClinVar variation 3906816 (VCV003906816.1).

ClinVar aggregate classification (germline): Uncertain significance (1 of 4 stars; one submission).

Submission:

GeneDx
Classification: Uncertain significance. Last evaluated: 2024-12-18. Review status: criteria provided, single submitter. Criteria: GeneDx Variant Classification Process June 2021. Collection method: clinical testing. Allele origin: germline. Affected: yes.
Comment: Not observed at significant frequency in large population cohorts (gnomAD); In silico analysis indicates that this missense variant does not alter protein structure/function; Has not been previously published as pathogenic or benign to our knowledge